The following is an entry in ClinVar:

ClinVar aggregate classification (germline): Conflicting classifications of pathogenicity. Review status: criteria provided, conflicting classifications (1 of 4 stars). 7 submissions from 7 submitters: Uncertain significance (5); Benign (1); Likely benign (1). Last evaluated 2026-01-26.

Conditions:
Ehlers-Danlos syndrome, classic type, 1 (EDSCL1). Also called: EHLERS-DANLOS SYNDROME, GRAVIS TYPE; EHLERS-DANLOS SYNDROME, SEVERE CLASSIC TYPE; EDS I; Ehlers-Danlos Syndrome, Classic Type, COL5A1-Related; Ehlers-Danlos syndrome, type 1. Identifiers: MedGen C0268335, MONDO:0019567, OMIM 130000.
Familial thoracic aortic aneurysm and aortic dissection (TAAD). Also called: Thoracic aortic aneurysms and dissections. Identifiers: Orphanet 91387, MedGen C4707243, MONDO:0019625.

Allele frequency attached by ClinVar (database versions not stated): ExAC 0.00004; gnomAD 0.00008 and 0.00009; TOPMed 0.00010.
gnomAD v4.1: 46 of 1,399,896 alleles (0.0033%); highest among the groups gnomAD compares: Middle Eastern, 0.02%; no homozygotes.

Submissions (7):

Women's Health and Genetics/Laboratory Corporation of America, LabCorp
Classification: Likely benign. Last evaluated: 2026-01-26. Review status: criteria provided, single submitter. Criteria: LabCorp Variant Classification Summary - May 2015. Collection method: clinical testing. Allele origin: germline.
Comment: Variant summary: COL5A1 c.4607C>T (p.Pro1536Leu) results in a non-conservative amino acid change in the encoded protein sequence. Algorithms developed to predict the effect of missense changes on protein structure and function all suggest that this variant is likely to be disruptive. Several computational tools predict a significant impact on normal splicing: Three predict the variant weakens a 5' donor site. However, these predictions have yet to be confirmed by functional studies. The variant allele was found at a frequency of 5.2e-05 in 250880 control chromosomes. The observed variant frequency exceeds the estimated maximal expected allele frequency for disease-causing variants in COL5A1. To our knowledge, no occurrence of c.4607C>T in individuals affected with COL5A1-related conditions and no experimental evidence demonstrating its impact on protein function have been reported. ClinVar contains an entry for this variant (Variation ID: 459697). Based on the evidence outlined above, the variant was classified as likely benign.

Ambry Genetics
Classification: Uncertain significance for Familial thoracic aortic aneurysm and aortic dissection. Last evaluated: 2025-12-30. Review status: criteria provided, single submitter. Criteria: Ambry Variant Classification Scheme 2023. Collection method: clinical testing. Allele origin: germline.
Comment: The c.4607C>T (p.P1536L) alteration is located in exon 59 (coding exon 59) of the COL5A1 gene. This alteration results from a C to T substitution at nucleotide position 4607, causing the proline (P) at amino acid position 1536 to be replaced by a leucine (L). Based on data from gnomAD, the T allele has an overall frequency of 0.005% (15/282136) total alleles studied. The highest observed frequency was 0.01% (2/19938) of East Asian alleles. Based on insufficient or conflicting evidence, the clinical significance of this alteration remains unclear.

Labcorp Genetics (formerly Invitae), Labcorp
Classification: Benign for Ehlers-Danlos syndrome, classic type, 1. Last evaluated: 2025-07-04. Review status: criteria provided, single submitter. Criteria: Invitae Variant Classification Sherloc (09022015). Collection method: clinical testing. Allele origin: germline.

Mayo Clinic Laboratories, Mayo Clinic
Classification: Uncertain significance. Last evaluated: 2024-05-20. Review status: criteria provided, single submitter. Criteria: ACMG Guidelines, 2015. Collection method: clinical testing. Allele origin: germline. Observed: 1 variant allele.
Comment: BS1, PP3

GeneDx
Classification: Uncertain significance. Last evaluated: 2024-05-07. Review status: criteria provided, single submitter. Criteria: GeneDx Variant Classification Process June 2021. Collection method: clinical testing. Allele origin: germline. Affected: yes.
Comment: Has not been previously published as pathogenic or benign to our knowledge; In silico analysis, which includes protein predictors and evolutionary conservation, supports a deleterious effect; Occurs in the triple helical domain at the Y position in the canonical Gly-X-Y repeat; although this variant may have an effect on normal protein folding and function, missense substitution at the Y position is not a common mechanism of disease (PMID: 22696272; HGMD); This variant is associated with the following publications: (PMID: 22696272)

New York Genome Center
Classification: Uncertain significance for Ehlers-Danlos syndrome, classic type, 1. Last evaluated: 2020-03-17. Review status: criteria provided, single submitter. Criteria: NYGC Assertion Criteria 2020. Collection method: clinical testing. Allele origin: inherited. Observed: 1 heterozygote. Study: CSER-NYCKidSeq.
Comment: The c.4607C>T (p.Pro1536Leu) variant identified in the COL5A1 gene substitutes a very well conserved Proline for Leucine at amino acid 1536/1839 (coding exon 59/66). This variant is found with low frequency in gnomAD (15 heterozygotes, 0 homozygotes; allele frequency: 5.32e-5) suggesting it is not a common benign variant in the populations represented in this database. In silico algorithms predict this variant to be Deleterious (Provean; score: -4.51) and Damaging (SIFT; score: 0.034) to the function of the canonical transcript. This variant is reported in ClinVar (VarID:459697) as a Variant of Uncertain Significance and to our current knowledge has not been reported in affected individuals in the literature. The p.Pro1536 residue is within the triple-helical region of the protein. Given the lack of compelling information for its pathogenicity, the c.4607C>T (p.Pro1536Leu) variant identified in the COL5A1 gene is reported here as a Variant of Uncertain Significance.

Breakthrough Genomics
Classification: Uncertain significance. Review status: criteria provided, single submitter. Criteria: ACMG Guidelines, 2015. Collection method: not provided. Allele origin: germline. Inheritance: Autosomal dominant inheritance. Affected: yes.

NM_000093.5(COL5A1):c.4607C>T (p.Pro1536Leu)

Genes: COL5A1 (collagen type V alpha 1 chain; plus strand), LOC101448202 (uncharacterized LOC101448202; minus strand). Cytogenetic location: 9q34.3.
Variant type: single nucleotide variant.
Coding change: c.4607C>T on transcript NM_000093.5 (MANE Select); coding-DNA position 4607, C replaced by T.
Protein change: p.Pro1536Leu; replaces proline 1536 with leucine.
Molecular consequence: missense variant.
Genome position (GRCh38, 1-based): chr9:134,822,149, C>T. VCF-style: chr9-134822149-C-T. GRCh37 (hg19) VCF-style: chr9-137713995-C-T.
Other names: p.Pro1536Leu; c.4607C>T (NM_000093.3); c.4607C>T, p.Pro1536Leu (NM_001278074.1); short protein forms P1536L.
Identifiers: ClinVar variation 459697 (VCV000459697.26), dbSNP rs761837954, ClinGen allele CA5320360.